The following is an entry in ClinVar:

ClinVar aggregate classification (germline): Likely pathogenic (1 of 4 stars; one submission).

Conditions:
Emery-Dreifuss muscular dystrophy 4, autosomal dominant (EDMD4). Also called: EMERY-DREIFUSS MUSCULAR DYSTROPHY 4 WITH VARIABLE FEATURES. Identifiers: Orphanet 261, MedGen C2751807, MONDO:0013071, OMIM 612998.
Autosomal recessive ataxia, Beauce type. Also called: Spinocerebellar ataxia, autosomal recessive 8; ATAXIA, RECESSIVE, OF BEAUCE; SYNE1-Related Autosomal Recessive Cerebellar Ataxia; SYNE1 Deficiency. Identifiers: Orphanet 88644, MedGen C1853116, MONDO:0012549, OMIM 610743.

Allele frequency attached by ClinVar (database versions not stated): gnomAD exomes below 0.00001.
gnomAD v4.1: 2 of 1,614,190 alleles (0.00012%); highest among the groups gnomAD compares: Non-Finnish European, 0.00017%; no homozygotes.

Submission:

Labcorp Genetics (formerly Invitae), Labcorp
Classification: Likely pathogenic for Emery-Dreifuss muscular dystrophy 4, autosomal dominant; Autosomal recessive ataxia, Beauce type. Last evaluated: 2023-06-19. Review status: criteria provided, single submitter. Criteria: Invitae Variant Classification Sherloc (09022015). Collection method: clinical testing. Allele origin: germline.
Comment: Algorithms developed to predict the effect of sequence changes on RNA splicing suggest that this variant may disrupt the consensus splice site. In summary, the currently available evidence indicates that the variant is pathogenic, but additional data are needed to prove that conclusively. Therefore, this variant has been classified as Likely Pathogenic. This variant has not been reported in the literature in individuals affected with SYNE1-related conditions. This variant is not present in population databases (gnomAD no frequency). This sequence change affects a donor splice site in intron 102 of the SYNE1 gene. It is expected to disrupt RNA splicing. Variants that disrupt the donor or acceptor splice site typically lead to a loss of protein function (PMID: 16199547), and loss-of-function variants in SYNE1 are known to be pathogenic (PMID: 19542096, 24319099, 27086870).

Literature cited by the submitters: PubMed 16199547; PubMed 19542096; PubMed 24319099; PubMed 27086870.

NM_182961.4(SYNE1):c.19260+1G>T

Gene: SYNE1 (spectrin repeat containing nuclear envelope protein 1; minus strand). Cytogenetic location: 6q25.2.
Variant type: single nucleotide variant.
Coding change: c.19260+1G>T on transcript NM_182961.4 (MANE Select); the canonical splice donor site of the intron after coding-DNA position 19260, G replaced by T.
Molecular consequence: splice donor variant.
Genome position (GRCh38, 1-based): chr6:152,255,590, C>A on the plus strand (G>T on the coding strand, the complement: SYNE1 is on the minus strand). VCF-style: chr6-152255590-C-A. GRCh37 (hg19) VCF-style: chr6-152576725-C-A.
Other names: c.19047+1G>T (NM_033071.5).
Identifiers: ClinVar variation 2938580 (VCV002938580.3), dbSNP rs2551848818, ClinGen allele CA366136712.
Genomic context (GRCh38, chr6:152,255,590, plus strand): 5'-CATCAAAATGTCAAGTGCTTTGTAATGTTATACACACACAGGCAGGAACTACTAAACCTA[C>A]CTCTTGGTTGAAGAGACAAGTCTCTGTTTCTTCTGGTAAAAGTGCTGTGGCAACAAATAA-3'